The following is an entry in ClinVar:

ClinVar aggregate classification (germline): Uncertain significance (1 of 4 stars; one submission).

gnomAD v4.1: 5 of 1,612,822 alleles (0.00031%); highest among the groups gnomAD compares: East Asian, 0.0022%; no homozygotes.

Submission:

GeneDx
Classification: Uncertain significance. Last evaluated: 2025-02-24. Review status: criteria provided, single submitter. Criteria: GeneDx Variant Classification Process June 2021. Collection method: clinical testing. Allele origin: germline. Affected: yes.
Comment: Not observed at significant frequency in large population cohorts (gnomAD); In silico analysis supports that this missense variant has a deleterious effect on protein structure/function; Has not been previously published as pathogenic or benign to our knowledge

NM_032229.3(SLITRK6):c.572G>A (p.Arg191His)

Gene: SLITRK6 (SLIT and NTRK like family member 6; minus strand). Cytogenetic location: 13q31.1.
Variant type: single nucleotide variant.
Coding change: c.572G>A on transcript NM_032229.3 (MANE Select); coding-DNA position 572, G replaced by A.
Protein change: p.Arg191His; replaces arginine 191 with histidine.
Molecular consequence: missense variant.
Genome position (GRCh38, 1-based): chr13:85,795,937, C>T on the plus strand (G>A on the coding strand, the complement: SLITRK6 is on the minus strand). VCF-style: chr13-85795937-C-T. GRCh37 (hg19) VCF-style: chr13-86370072-C-T.
Other names: short protein forms R191H.
Identifiers: ClinVar variation 4076758 (VCV004076758.1).